The following is an entry in ClinVar:

NM_005159.4(ACTC1):c.*781G>A

Genes: ACTC1 (actin alpha cardiac muscle 1; minus strand), GJD2-DT (GJD2 divergent transcript; plus strand). Cytogenetic location: 15q14.
Variant type: single nucleotide variant.
Coding change: c.*781G>A on transcript NM_005159.4; 781 bases downstream of the stop codon, G replaced by A.
Genome position (GRCh38, 1-based): chr15:34,789,631, C>T on the plus strand (G>A on the coding strand, the complement: ACTC1 is on the minus strand). VCF-style: chr15-34789631-C-T. GRCh37 (hg19) VCF-style: chr15-35081832-C-T.
Identifiers: ClinVar variation 888143 (VCV000888143.7), dbSNP rs145085048, ClinGen allele CA268659452.
Genomic context (GRCh38, chr15:34,789,631, plus strand): 5'-TCCCTCAGGACCTCGCAGCCTTCAGTTCACTCAACCCAAGATCTCAAGATTTCAAAGAAA[C>T]GAAGAGATTGAAGGCTTCTGTCTCGCAAGTTAGTCACTGATCAGGCAGAAGTGTTTGGCT-3'

ClinVar aggregate classification (germline): Likely benign. Review status: criteria provided, multiple submitters, no conflicts (2 of 4 stars). 3 submissions from 2 submitters: Likely benign (3). Last evaluated 2018-01-13.

Conditions:
Hypertrophic cardiomyopathy 11. Also called: ACTC1-Related Familial Hypertrophic Cardiomyopathy. Identifiers: MedGen C2677506, MONDO:0012799, OMIM 612098.
Dilated cardiomyopathy 1R (CMD1R). Identifiers: Orphanet 154, Orphanet 54260, MedGen C3150681, MONDO:0013261, OMIM 613424.

Allele frequency attached by ClinVar (database versions not stated): 1000 Genomes Project 0.00779; 1000 Genomes Project 30x 0.00734; gnomAD 0.01146 and 0.01199; TOPMed 0.01038; gnomAD exomes 0.03509.

Submissions (3):

Illumina Laboratory Services, Illumina
Classification: Likely benign for Dilated cardiomyopathy 1R. Last evaluated: 2018-01-13. Review status: criteria provided, single submitter. Criteria: ICSL Variant Classification Criteria 13 December 2019. Collection method: clinical testing. Allele origin: germline.
Comment: This variant was observed in the ICSL laboratory as part of a predisposition screen in an ostensibly healthy population. It had not been previously curated by ICSL or reported in the Human Gene Mutation Database (HGMD: prior to June 1st, 2018), and was therefore a candidate for classification through an automated scoring system. Utilizing variant allele frequency, disease prevalence and penetrance estimates, and inheritance mode, an automated score was calculated to assess if this variant is too frequent to cause the disease. Based on the score and internal cut-off values, a variant classified as likely benign is not then subjected to further curation. The score for this variant resulted in a classification of likely benign for this disease.

Illumina Laboratory Services, Illumina
Classification: Likely benign for Hypertrophic cardiomyopathy 11. Last evaluated: 2018-01-13. Review status: criteria provided, single submitter. Criteria: ICSL Variant Classification Criteria 13 December 2019. Collection method: clinical testing. Allele origin: germline.
Comment: the same text as in the submission from Illumina Laboratory Services, Illumina above.

Breakthrough Genomics
Classification: Likely benign. Review status: criteria provided, single submitter. Criteria: ACMG Guidelines, 2015. Collection method: not provided. Allele origin: germline. Inheritance: Autosomal dominant inheritance. Affected: yes.